The following is an entry in ClinVar:

ClinVar aggregate classification (germline): Uncertain significance (1 of 4 stars; one submission).

Conditions:
Combined immunodeficiency due to LRBA deficiency. Also called: Common variable immunodeficiency 8, with autoimmunity. Identifiers: Orphanet 445018, MedGen C3553512, MONDO:0013863, OMIM 614700.

Allele frequency attached by ClinVar (database versions not stated): gnomAD exomes below 0.00001.
gnomAD v4.1: 3 of 1,613,446 alleles (0.00019%); highest among the groups gnomAD compares: Admixed American, 0.005%; no homozygotes.

Submission:

Labcorp Genetics (formerly Invitae), Labcorp
Classification: Uncertain significance for Combined immunodeficiency due to LRBA deficiency. Last evaluated: 2023-12-06. Review status: criteria provided, single submitter. Criteria: Invitae Variant Classification Sherloc (09022015). Collection method: clinical testing. Allele origin: germline.
Comment: This sequence change replaces isoleucine, which is neutral and non-polar, with methionine, which is neutral and non-polar, at codon 1954 of the LRBA protein (p.Ile1954Met). This variant is present in population databases (no rsID available, gnomAD 0.003%). This variant has not been reported in the literature in individuals affected with LRBA-related conditions. ClinVar contains an entry for this variant (Variation ID: 1503816). Advanced modeling of protein sequence and biophysical properties (such as structural, functional, and spatial information, amino acid conservation, physicochemical variation, residue mobility, and thermodynamic stability) performed at Invitae indicates that this missense variant is not expected to disrupt LRBA protein function with a negative predictive value of 80%. In summary, the available evidence is currently insufficient to determine the role of this variant in disease. Therefore, it has been classified as a Variant of Uncertain Significance.

NM_001364905.1(LRBA):c.5862C>G (p.Ile1954Met)

Gene: LRBA (LPS responsive beige-like anchor protein; minus strand). Cytogenetic location: 4q31.3.
Variant type: single nucleotide variant.
Coding change: c.5862C>G on transcript NM_001364905.1 (MANE Select); coding-DNA position 5862, C replaced by G.
Protein change: p.Ile1954Met; replaces isoleucine 1954 with methionine.
Molecular consequence: missense variant.
Genome position (GRCh38, 1-based): chr4:150,683,610, G>C on the plus strand (C>G on the coding strand, the complement: LRBA is on the minus strand). VCF-style: chr4-150683610-G-C. GRCh37 (hg19) VCF-style: chr4-151604762-G-C.
Other names: c.5862C>G, p.Ile1954Met (NM_001199282.3, NM_001367550.1, NM_006726.5); short protein forms I1954M.
Identifiers: ClinVar variation 1503816 (VCV001503816.8), dbSNP rs1447383172, ClinGen allele CA358610245.